The following is an entry in ClinVar:

ClinVar aggregate classification (germline): Uncertain significance (1 of 4 stars; one submission).

gnomAD v4.1: 3 of 1,612,600 alleles (0.00019%); highest among the groups gnomAD compares: African/African-American, 0.004%; no homozygotes.

Submission:

GeneDx
Classification: Uncertain significance. Last evaluated: 2024-07-09. Review status: criteria provided, single submitter. Criteria: GeneDx Variant Classification Process June 2021. Collection method: clinical testing. Allele origin: germline. Affected: yes.
Comment: Not observed at significant frequency in large population cohorts (gnomAD); In silico analysis indicates that this missense variant does not alter protein structure/function; Has not been previously published as pathogenic or benign to our knowledge

NM_006494.4(ERF):c.1403C>T (p.Pro468Leu)

Gene: ERF (ETS2 repressor factor; minus strand). Cytogenetic location: 19q13.2.
Variant type: single nucleotide variant.
Coding change: c.1403C>T on transcript NM_006494.4 (MANE Select); coding-DNA position 1403, C replaced by T.
Protein change: p.Pro468Leu; replaces proline 468 with leucine.
Molecular consequence: missense variant.
Genome position (GRCh38, 1-based): chr19:42,248,709, G>A on the plus strand (C>T on the coding strand, the complement: ERF is on the minus strand). VCF-style: chr19-42248709-G-A. GRCh37 (hg19) VCF-style: chr19-42752861-G-A.
Other names: c.1178C>T, p.Pro393Leu (NM_001301035.2, NM_001308402.2, NM_001312656.2); short protein forms P393L, P468L.
Identifiers: ClinVar variation 3572817 (VCV003572817.1).
Genomic context (GRCh38, chr19:42,248,709, plus strand): 5'-CAGCGCCGCTTAAAGCGTAGCTTGAGGGGCATGCACTGGGATGCCCCGGGTGCCTCGCCG[G>A]GCTCAGGCTTAGGGGGTGCAGGTGGGGCACGGGGCGTCTTGAACACCTCCCCGTCTTCCT-3'
Protein context (NP_006485.2, residues 458-478): RAPPAPPKPE[Pro468Leu]GEAPGASQCM